The following is an entry in ClinVar:

ClinVar aggregate classification (germline): Uncertain significance. Review status: criteria provided, multiple submitters, no conflicts (2 of 4 stars). 2 submissions from 2 submitters: Uncertain significance (2). Last evaluated 2025-10-07.

gnomAD v4.1: 140 of 1,614,168 alleles (0.0087%); highest among the groups gnomAD compares: South Asian, 0.12%; 2 homozygotes.

Submissions (2):

Ambry Genetics
Classification: Uncertain significance. Last evaluated: 2025-10-07. Review status: criteria provided, single submitter. Criteria: Ambry Variant Classification Scheme 2023. Collection method: clinical testing. Allele origin: germline.

Labcorp Genetics (formerly Invitae), Labcorp
Classification: Uncertain significance. Last evaluated: 2025-03-10. Review status: criteria provided, single submitter. Criteria: Invitae Variant Classification Sherloc (09022015). Collection method: clinical testing. Allele origin: germline.
Comment: This sequence change replaces arginine, which is basic and polar, with histidine, which is basic and polar, at codon 472 of the NIN protein (p.Arg472His). This variant is present in population databases (rs144609230, gnomAD 0.1%), and has an allele count higher than expected for a pathogenic variant. This variant has not been reported in the literature in individuals affected with NIN-related conditions. An algorithm developed to predict the effect of missense changes on protein structure and function (PolyPhen-2) suggests that this variant is likely to be tolerated. In summary, the available evidence is currently insufficient to determine the role of this variant in disease. Therefore, it has been classified as a Variant of Uncertain Significance.

NM_020921.4(NIN):c.1415G>A (p.Arg472His)

Gene: NIN (ninein; minus strand). Cytogenetic location: 14q22.1.
Variant type: single nucleotide variant.
Coding change: c.1415G>A on transcript NM_020921.4 (MANE Select); coding-DNA position 1415, G replaced by A.
Protein change: p.Arg472His; replaces arginine 472 with histidine.
Molecular consequence: missense variant.
Genome position (GRCh38, 1-based): chr14:50,770,407, C>T on the plus strand (G>A on the coding strand, the complement: NIN is on the minus strand). VCF-style: chr14-50770407-C-T. GRCh37 (hg19) VCF-style: chr14-51237125-C-T.
Other names: c.1415G>A, p.Arg472His (NM_016350.5, NM_182944.3, NM_182946.2); short protein forms R472H.
Identifiers: ClinVar variation 4557664 (VCV004557664.2).
Genomic context (GRCh38, chr14:50,770,407, plus strand): 5'-CCCGGCAGGGACGCAGACCACAGAACTAATAAGATGATTACCTTTAAAGAGAGGGCAAGG[C>T]GGTCCCGGATATAGTTCTCTTCTGTTTTTGCCTTTTCAATTTCCTGTTCAAGTTCTAAAC-3'
Protein context (NP_065972.4, residues 462-482): AKTEENYIRD[Arg472His]LALSLKENSR